The following is an entry in ClinVar:

NM_015272.5(RPGRIP1L):c.616G>T (p.Gly206Ter)

Gene: RPGRIP1L (RPGRIP1 like; minus strand). Cytogenetic location: 16q12.2.
Variant type: single nucleotide variant.
Coding change: c.616G>T on transcript NM_015272.5 (MANE Select); coding-DNA position 616, G replaced by T.
Protein change: p.Gly206Ter; replaces glycine 206 with a stop codon.
Molecular consequence: nonsense.
Genome position (GRCh38, 1-based): chr16:53,687,879, C>A on the plus strand (G>T on the coding strand, the complement: RPGRIP1L is on the minus strand). VCF-style: chr16-53687879-C-A. GRCh37 (hg19) VCF-style: chr16-53721791-C-A.
Other names: c.616G>T, p.Gly206Ter (NM_001127897.4, NM_001308334.3, NM_001330538.2); short protein forms G206*.
Identifiers: ClinVar variation 2944203 (VCV002944203.3), dbSNP rs2544658236, ClinGen allele CA395924399.

ClinVar aggregate classification (germline): Pathogenic (1 of 4 stars; one submission).

Conditions:
Joubert syndrome. Also called: CEREBELLOPARENCHYMAL DISORDER IV; JOUBERT-BOLTSHAUSER SYNDROME; Familial aplasia of the vermis. Identifiers: Orphanet 475, MedGen C5979921, MONDO:0018772.
Meckel-Gruber syndrome. Also called: DYSENCEPHALIA SPLANCHNOCYSTICA; GRUBER SYNDROME; Dysencephalia splachnocystica. Identifiers: Orphanet 564, MedGen C0265215, MONDO:0018921.

Submission:

Labcorp Genetics (formerly Invitae), Labcorp
Classification: Pathogenic for Joubert syndrome; Meckel-Gruber syndrome. Last evaluated: 2023-02-13. Review status: criteria provided, single submitter. Criteria: Invitae Variant Classification Sherloc (09022015). Collection method: clinical testing. Allele origin: germline.
Comment: This variant has not been reported in the literature in individuals affected with RPGRIP1L-related conditions. For these reasons, this variant has been classified as Pathogenic. This sequence change creates a premature translational stop signal (p.Gly206*) in the RPGRIP1L gene. It is expected to result in an absent or disrupted protein product. Loss-of-function variants in RPGRIP1L are known to be pathogenic (PMID: 17558409). This variant is not present in population databases (gnomAD no frequency).

Literature cited by the submitters: PubMed 17558409.